The following is an entry in ClinVar:

NM_001111125.3(IQSEC2):c.1483C>A (p.Gln495Lys)

Gene: IQSEC2 (IQ motif and Sec7 domain ArfGEF 2; minus strand). Cytogenetic location: Xp11.22.
Variant type: single nucleotide variant.
Coding change: c.1483C>A on transcript NM_001111125.3 (MANE Select); coding-DNA position 1483, C replaced by A.
Protein change: p.Gln495Lys; replaces glutamine 495 with lysine.
Molecular consequence: missense variant.
Genome position (GRCh38, 1-based): chrX:53,251,093, G>T on the plus strand (C>A on the coding strand, the complement: IQSEC2 is on the minus strand). VCF-style: chrX-53251093-G-T. GRCh37 (hg19) VCF-style: chrX-53280275-G-T.
Other names: c.868C>A, p.Gln290Lys (NM_015075.2); short protein forms Q290K, Q495K.
Identifiers: ClinVar variation 1309686 (VCV001309686.2), dbSNP rs2147103761, ClinGen allele CA413166279.
Genomic context (GRCh38, chrX:53,251,093, plus strand): 5'-CACTGAAGGATGTGGCTGAGCTGTCCTCTTGCTGTTCCTTTGACTCCCGCTTCTCCAGCT[G>T]GGCTGACCCTGGCTCCTCAGACATGGGCCCTGACGGGTGGCAGTTCAGGGCTTCGTCGAT-3'
Protein context (NP_001104595.1, residues 485-505): GPMSEEPGSA[Gln495Lys]LEKRESKEQQ

ClinVar aggregate classification (germline): Uncertain significance (1 of 4 stars; one submission).

Submission:

GeneDx
Classification: Uncertain significance. Last evaluated: 2019-11-04. Review status: criteria provided, single submitter. Criteria: GeneDx Variant Classification Process June 2021. Collection method: clinical testing. Allele origin: germline. Affected: yes.
Comment: Not observed in large population cohorts (Lek et al., 2016); In silico analysis, which includes protein predictors and evolutionary conservation, supports that this variant does not alter protein structure/function; Has not been previously published as pathogenic or benign to our knowledge